The following is an entry in ClinVar:

NM_182914.3(SYNE2):c.14479C>T (p.Arg4827Cys)

Gene: SYNE2 (spectrin repeat containing nuclear envelope protein 2; plus strand). Cytogenetic location: 14q23.2.
Variant type: single nucleotide variant.
Coding change: c.14479C>T on transcript NM_182914.3 (MANE Select); coding-DNA position 14479, C replaced by T.
Protein change: p.Arg4827Cys; replaces arginine 4827 with cysteine.
Molecular consequence: missense variant.
Genome position (GRCh38, 1-based): chr14:64,132,403, C>T. VCF-style: chr14-64132403-C-T. GRCh37 (hg19) VCF-style: chr14-64599121-C-T.
Other names: c.14479C>T, p.Arg4827Cys (NM_015180.6); c.14479C>T (NM_182914.2); short protein forms R4827C.
Identifiers: ClinVar variation 1019964 (VCV001019964.11), dbSNP rs146052780, ClinGen allele CA7222791.

ClinVar aggregate classification (germline): Uncertain significance. Review status: criteria provided, multiple submitters, no conflicts (2 of 4 stars). 4 submissions from 4 submitters: Uncertain significance (4). Last evaluated 2025-12-03.

Conditions:
Emery-Dreifuss muscular dystrophy 5, autosomal dominant (EDMD5). Also called: EMERY-DREIFUSS MUSCULAR DYSTROPHY 5. Identifiers: Orphanet 261, MedGen C2751805, MONDO:0013072, OMIM 612999.

Allele frequency attached by ClinVar (database versions not stated): gnomAD 0.00003 and 0.00004; gnomAD exomes 0.00003 and 0.00005; ExAC 0.00004; TOPMed 0.00006; ESP Exome Variant Server 0.00023.
gnomAD v4.1: 43 of 1,614,006 alleles (0.0027%); highest among the groups gnomAD compares: Admixed American, 0.01%; no homozygotes.

Submissions (4):

Labcorp Genetics (formerly Invitae), Labcorp
Classification: Uncertain significance for Emery-Dreifuss muscular dystrophy 5, autosomal dominant. Last evaluated: 2025-12-03. Review status: criteria provided, single submitter. Criteria: Invitae Variant Classification Sherloc (09022015). Collection method: clinical testing. Allele origin: germline.
Comment: This sequence change replaces arginine, which is basic and polar, with cysteine, which is neutral and slightly polar, at codon 4827 of the SYNE2 protein (p.Arg4827Cys). This variant is present in population databases (rs146052780, gnomAD 0.01%). This variant has not been reported in the literature in individuals affected with SYNE2-related conditions. ClinVar contains an entry for this variant (Variation ID: 1019964). An algorithm developed to predict the effect of missense changes on protein structure and function outputs the following: PolyPhen-2: "Benign". The cysteine amino acid residue is found in multiple mammalian species, which suggests that this missense change does not adversely affect protein function. In summary, the available evidence is currently insufficient to determine the role of this variant in disease. Therefore, it has been classified as a Variant of Uncertain Significance.

Ambry Genetics
Classification: Uncertain significance. Last evaluated: 2025-09-11. Review status: criteria provided, single submitter. Criteria: Ambry Variant Classification Scheme 2023. Collection method: clinical testing. Allele origin: germline.

Revvity Omics, Revvity
Classification: Uncertain significance for Emery-Dreifuss muscular dystrophy 5, autosomal dominant. Last evaluated: 2019-07-18. Review status: criteria provided, single submitter. Criteria: ACMG Guidelines, 2015. Collection method: clinical testing. Allele origin: germline.

Breakthrough Genomics
Classification: Uncertain significance. Review status: criteria provided, single submitter. Criteria: ACMG Guidelines, 2015. Collection method: not provided. Allele origin: germline. Inheritance: Autosomal dominant inheritance. Affected: yes.